The following is an entry in ClinVar:

ClinVar aggregate classification (germline): Uncertain significance. Review status: criteria provided, single submitter (1 of 4 stars). 2 submissions from 2 submitters: Uncertain significance (1). 1 of the submissions does not count toward it. Last evaluated 2023-12-08.

Conditions:
Hereditary breast ovarian cancer syndrome. Also called: Hereditary breast and/or ovarian cancer syndrome; Hereditary breast and ovarian cancer syndrome (HBOC); Breast and ovarian cancer; Hereditary breast and ovarian cancer syndrome; Hereditary breast and ovarian cancer; BRCA1- and BRCA2-Associated Hereditary Breast and Ovarian Cancer. Identifiers: Orphanet 145, MedGen C0677776, MeSH D061325, MONDO:0003582. Disease mechanism: loss of function.

Allele frequency attached by ClinVar (database versions not stated): gnomAD exomes below 0.00001.
gnomAD v4.1: 1 of 1,602,702 alleles (0.000062%); highest among the groups gnomAD compares: Non-Finnish European, 0.000085%; no homozygotes.

Submissions (2):

Labcorp Genetics (formerly Invitae), Labcorp
Classification: Uncertain significance for Hereditary breast ovarian cancer syndrome. Last evaluated: 2023-12-08. Review status: criteria provided, single submitter. Criteria: Invitae Variant Classification Sherloc (09022015). Collection method: clinical testing. Allele origin: germline.
Comment: This sequence change replaces serine, which is neutral and polar, with glycine, which is neutral and non-polar, at codon 1263 of the BRCA2 protein (p.Ser1263Gly). This variant is not present in population databases (gnomAD no frequency). This variant has not been reported in the literature in individuals affected with BRCA2-related conditions. Advanced modeling of protein sequence and biophysical properties (such as structural, functional, and spatial information, amino acid conservation, physicochemical variation, residue mobility, and thermodynamic stability) performed at Invitae indicates that this missense variant is not expected to disrupt BRCA2 protein function with a negative predictive value of 95%. Algorithms developed to predict the effect of sequence changes on RNA splicing suggest that this variant may create or strengthen a splice site. In summary, the available evidence is currently insufficient to determine the role of this variant in disease. Therefore, it has been classified as a Variant of Uncertain Significance.

Department of Medical Laboratory Technology, Erbil Technical Health and Medical College, Erbil Polytechnic University
Classification: Uncertain significance for Hereditary breast ovarian cancer syndrome. Last evaluated: 2022-11-01. Review status: no assertion criteria provided. Collection method: research. Allele origin: germline. Affected: yes. Observed: 1 variant allele. Not counted in ClinVar's aggregate classification.
Comment: Later in 2022, using NGS for BRCA1/2 exome sequencing from whole blood sample, the variant was detected. The c.3787A>G wich is a missense variant, detected on the exon 11 codon 1263 of the BRCA2 gene. This variant resulted in the substitution of the first basepair A to G (AGT to GGT). According to LUMC Mutalyzer 3, it causes protien change Serine to Glycine p.(Ser1263Gly), and RNA prediction: NC_000013.10(NM_000059.4):r.(3787a>g). Same variant has been submitted previously to NCBI/Clinvar once with Accession: VCV002701373.1, and has been classified as (Uncertain Significance), as it changes serine, which is neutral and polar, with glycine, which is neutral and non-polar, at codon 1263 of the BRCA2 gene. This variant has been reported once in the large population database and indicated as (single submitter) with the same accession that mentioned above. According to MutationTaster2021, the variant is (Benign) (ENST00000544455), while according to MutationTaster (dbNSFP version 4.8), it is (Uncertain) with score 1.1.

NM_000059.4(BRCA2):c.3787A>G (p.Ser1263Gly)

Gene: BRCA2 (BRCA2 DNA repair associated; plus strand). Cytogenetic location: 13q13.1.
Variant type: single nucleotide variant.
Coding change: c.3787A>G on transcript NM_000059.4 (MANE Select); coding-DNA position 3787, A replaced by G.
Protein change: p.Ser1263Gly; replaces serine 1263 with glycine.
Molecular consequence: missense variant. On other transcripts: non-coding transcript variant (1), intron variant (2).
Genome position (GRCh38, 1-based): chr13:32,338,142, A>G. VCF-style: chr13-32338142-A-G. GRCh37 (hg19) VCF-style: chr13-32912279-A-G.
Other names: c.3787A>G, p.Ser1263Gly (NM_001406719.1, NM_001406720.1); c.1909+4755A>G (NM_001406721.1); c.425-6416A>G (NM_001406722.1); c.[3787A>G] (NM_000059.4); short protein forms S1263G.
Identifiers: ClinVar variation 2701373 (VCV002701373.4), dbSNP rs2137499994, ClinGen allele CA387778350.